The following is an entry in ClinVar:

ClinVar aggregate classification (germline): Uncertain significance. Review status: criteria provided, multiple submitters, no conflicts (2 of 4 stars). 2 submissions from 2 submitters: Uncertain significance (2). Last evaluated 2023-09-22.

Allele frequency attached by ClinVar (database versions not stated): TOPMed below 0.00001; gnomAD 0.00001; ExAC 0.00002.
gnomAD v4.1: 4 of 1,613,990 alleles (0.00025%); highest among the groups gnomAD compares: African/African-American, 0.0013%; no homozygotes.

Submissions (2):

Labcorp Genetics (formerly Invitae), Labcorp
Classification: Uncertain significance. Last evaluated: 2023-09-22. Review status: criteria provided, single submitter. Criteria: Invitae Variant Classification Sherloc (09022015). Collection method: clinical testing. Allele origin: germline.
Comment: Advanced modeling of protein sequence and biophysical properties (such as structural, functional, and spatial information, amino acid conservation, physicochemical variation, residue mobility, and thermodynamic stability) performed at Invitae indicates that this missense variant is not expected to disrupt GALNT12 protein function. In summary, the available evidence is currently insufficient to determine the role of this variant in disease. Therefore, it has been classified as a Variant of Uncertain Significance. ClinVar contains an entry for this variant (Variation ID: 1776433). This variant has not been reported in the literature in individuals affected with GALNT12-related conditions. This variant is present in population databases (rs769466991, gnomAD 0.004%). This sequence change replaces glycine, which is neutral and non-polar, with aspartic acid, which is acidic and polar, at codon 350 of the GALNT12 protein (p.Gly350Asp).

Ambry Genetics
Classification: Uncertain significance. Last evaluated: 2020-09-15. Review status: criteria provided, single submitter. Criteria: Ambry Variant Classification Scheme 2023. Collection method: clinical testing. Allele origin: germline.
Comment: The p.G350D variant (also known as c.1049G>A), located in coding exon 6 of the GALNT12 gene, results from a G to A substitution at nucleotide position 1049. The glycine at codon 350 is replaced by aspartic acid, an amino acid with similar properties. This amino acid position is highly conserved in available vertebrate species. In addition, this alteration is predicted to be deleterious by in silico analysis. Since supporting evidence is limited at this time, the clinical significance of this alteration remains unclear.

NM_024642.5(GALNT12):c.1049G>A (p.Gly350Asp)

Gene: GALNT12 (polypeptide N-acetylgalactosaminyltransferase 12; plus strand). Cytogenetic location: 9q22.33.
Variant type: single nucleotide variant.
Coding change: c.1049G>A on transcript NM_024642.5 (MANE Select); coding-DNA position 1049, G replaced by A.
Protein change: p.Gly350Asp; replaces glycine 350 with aspartic acid.
Molecular consequence: missense variant.
Genome position (GRCh38, 1-based): chr9:98,836,985, G>A. VCF-style: chr9-98836985-G-A. GRCh37 (hg19) VCF-style: chr9-101599267-G-A.
Other names: short protein forms G350D.
Identifiers: ClinVar variation 1776433 (VCV001776433.5), dbSNP rs769466991, ClinGen allele CA5154165.